The following is an entry in ClinVar:

NM_020975.6(RET):c.1240A>G (p.Arg414Gly)

Gene: RET (ret proto-oncogene; plus strand). Cytogenetic location: 10q11.21.
Variant type: single nucleotide variant.
Coding change: c.1240A>G on transcript NM_020975.6 (MANE Select); coding-DNA position 1240, A replaced by G.
Protein change: p.Arg414Gly; replaces arginine 414 with glycine.
Molecular consequence: missense variant. On other transcripts: intron variant (18).
Genome position (GRCh38, 1-based): chr10:43,109,207, A>G. VCF-style: chr10-43109207-A-G. GRCh37 (hg19) VCF-style: chr10-43604655-A-G.
Other names: c.514A>G, p.Arg172Gly (NM_001406777.1, NM_001406778.1, NM_001406775.1 and 1 more transcripts); c.250A>G, p.Arg84Gly (NM_001406784.1); c.739-2000A>G (NM_001406774.1); c.497-2892A>G (NM_001406786.1, NM_001406783.1); c.626-2892A>G (NM_001406779.1, NM_001406782.1, NM_001406780.1 and 3 more transcripts); c.1240A>G, p.Arg414Gly (NM_020630.7, NM_020629.2, NM_000323.2 and 6 more transcripts); c.868-2000A>G (NM_001406772.1, NM_001406769.1); c.478A>G, p.Arg160Gly (NM_001355216.2); and 5 more; short protein forms R414G, R268G, R84G, R172G, R318G, R371G, R160G.
Identifiers: ClinVar variation 2568336 (VCV002568336.2), dbSNP rs1183925225, ClinGen allele CA376548005.

ClinVar aggregate classification (germline): Uncertain significance (1 of 4 stars; one submission).

Conditions:
Hereditary cancer-predisposing syndrome. Also called: Hereditary neoplastic syndrome; Hereditary Cancer Syndrome; Neoplastic Syndromes, Hereditary; Tumor predisposition. Identifiers: Orphanet 140162, MedGen C0027672, MeSH D009386, MONDO:0015356.

Allele frequency attached by ClinVar (database versions not stated): gnomAD exomes below 0.00001.
gnomAD v4.1: 1 of 1,613,540 alleles (0.000062%); highest among the groups gnomAD compares: South Asian, 0.0011%; no homozygotes.

Submission:

Ambry Genetics
Classification: Uncertain significance for Hereditary cancer-predisposing syndrome. Last evaluated: 2023-04-05. Review status: criteria provided, single submitter. Criteria: Ambry Variant Classification Scheme 2023. Collection method: clinical testing. Allele origin: germline.
Comment: The p.R414G variant (also known as c.1240A>G), located in coding exon 6 of the RET gene, results from an A to G substitution at nucleotide position 1240. The arginine at codon 414 is replaced by glycine, an amino acid with dissimilar properties. This amino acid position is conserved. In addition, the in silico prediction for this alteration is inconclusive. Since supporting evidence is limited at this time, the clinical significance of this alteration remains unclear.